The following is an entry in ClinVar:

ClinVar aggregate classification (germline): Pathogenic. Review status: criteria provided, multiple submitters, no conflicts (2 of 4 stars). 4 submissions from 4 submitters: Pathogenic (4). Last evaluated 2025-11-04.

Conditions:
Hereditary breast ovarian cancer syndrome. Also called: BRCA1- and BRCA2-Associated Hereditary Breast and Ovarian Cancer; Hereditary breast and ovarian cancer syndrome (HBOC); Hereditary breast and ovarian cancer syndrome; Breast and ovarian cancer; Hereditary breast and/or ovarian cancer syndrome; Hereditary breast and ovarian cancer. Identifiers: Orphanet 145, MedGen C0677776, MeSH D061325, MONDO:0003582. Disease mechanism: loss of function.
Hereditary cancer-predisposing syndrome. Also called: Neoplastic Syndromes, Hereditary; Hereditary Cancer Syndrome; Hereditary neoplastic syndrome; Tumor predisposition. Identifiers: Orphanet 140162, MedGen C0027672, MeSH D009386, MONDO:0015356.

Submissions (4):

Color Diagnostics, LLC DBA Color Health
Classification: Pathogenic for Hereditary cancer-predisposing syndrome. Last evaluated: 2025-11-04. Review status: criteria provided, single submitter. Criteria: ACMG Guidelines, 2015. Collection method: clinical testing. Allele origin: germline.
Comment: This variant deletes 4 nucleotides in exon 10 of the BRCA1 gene, creating a frameshift and premature translation stop signal. This variant is also known as 3446delAAAG and 3446del4. This variant is expected to result in an absent or non-functional protein product. This variant has been reported in an individual affected with breast and/or ovarian cancer and in a suspected hereditary breast and ovarian cancer family (PMID: 26022348, 32776218). This variant has not been identified in the general population by the Genome Aggregation Database (gnomAD). Loss of BRCA1 function is a known mechanism of disease. Loss of BRCA1 function is a known mechanism of disease. Based on the available evidence, this variant is classified as Pathogenic.

Center for Genomic Medicine, Rigshospitalet, Copenhagen University Hospital
Classification: Pathogenic. Last evaluated: 2025-03-04. Review status: criteria provided, single submitter. Criteria: ACMG Guidelines, 2015. Collection method: clinical testing. Allele origin: germline.

Labcorp Genetics (formerly Invitae), Labcorp
Classification: Pathogenic for Hereditary breast ovarian cancer syndrome. Last evaluated: 2024-10-24. Review status: criteria provided, single submitter. Criteria: Invitae Variant Classification Sherloc (09022015). Collection method: clinical testing. Allele origin: germline.
Comment: This sequence change creates a premature translational stop signal (p.Lys1109Asnfs*7) in the BRCA1 gene. It is expected to result in an absent or disrupted protein product. Loss-of-function variants in BRCA1 are known to be pathogenic (PMID: 20104584). This variant is not present in population databases (gnomAD no frequency). This variant has not been reported in the literature in individuals affected with BRCA1-related conditions. ClinVar contains an entry for this variant (Variation ID: 2565346). For these reasons, this variant has been classified as Pathogenic.

Ambry Genetics
Classification: Pathogenic for Hereditary cancer-predisposing syndrome. Last evaluated: 2023-05-03. Review status: criteria provided, single submitter. Criteria: Ambry Variant Classification Scheme 2023. Collection method: clinical testing. Allele origin: germline.
Comment: The c.3327_3330delAAAG pathogenic mutation, located in coding exon 9 of the BRCA1 gene, results from a deletion of 4 nucleotides at nucleotide positions 3327 to 3330, causing a translational frameshift with a predicted alternate stop codon (p.K1109Nfs*7). This alteration was identified in a cohort of 620 patients at risk for hereditary breast and/or ovarian cancer referred for multigene panel testing (Schroeder C et al. Breast Cancer Res Treat, 2015 Jul;152:129-136). This variant is considered to be rare based on population cohorts in the Genome Aggregation Database (gnomAD). In addition to the clinical data presented in the literature, this alteration is expected to result in loss of function by premature protein truncation or nonsense-mediated mRNA decay. As such, this alteration is interpreted as a disease-causing mutation.

Literature cited by the submitters: PubMed 26022348 (cited by Color Diagnostics, LLC DBA Color Health and Ambry Genetics); PubMed 32776218 (cited by Color Diagnostics, LLC DBA Color Health); PubMed 20104584 (cited by Labcorp Genetics (formerly Invitae), Labcorp).

NM_007294.4(BRCA1):c.3327_3330del (p.Lys1109fs)

Genes: BRCA1 (BRCA1 DNA repair associated; minus strand), LOC126862571 (BRD4-independent group 4 enhancer GRCh37_chr17:41243136-41244335; plus strand). Cytogenetic location: 17q21.31.
Variant type: Deletion.
Coding change: c.3327_3330del on transcript NM_007294.4 (MANE Select); coding-DNA positions 3327 to 3330, 4 bases deleted (AAAG; older notation c.3327_3330delAAAG).
Protein change: p.Lys1109fs; shifts the reading frame from lysine 1109.
Molecular consequence: frameshift variant. On other transcripts: intron variant (137).
Genome position (GRCh38, 1-based): chr17:43,092,201-43,092,204, CTTT deleted on the plus strand (AAAG on the coding strand, the reverse complement: BRCA1 is on the minus strand). VCF-style (leftmost placement, unchanged base first): chr17-43092200-GCTTT-G. GRCh37 (hg19) VCF-style: chr17-41244217-GCTTT-G.
Other names: c.2994_2997del, p.Lys998fs (NM_001407946.1, NM_001407949.1, NM_001407947.1 and 6 more transcripts); c.3186_3189del, p.Lys1062fs (NM_001407945.1, NM_001407944.1, NM_001407733.1 and 29 more transcripts); c.3183_3186del, p.Lys1061fs (NM_001407740.1, NM_001407741.1, NM_001407742.1 and 20 more transcripts); c.3114_3117del, p.Lys1038fs (NM_001407853.1, NM_001407894.1, NM_001407895.1 and 9 more transcripts); c.3327_3330del, p.Lys1109fs (NM_001407854.1, NM_001407858.1, NM_001407859.1 and 30 more transcripts); c.3324_3327del, p.Lys1108fs (NM_001407860.1, NM_001407861.1, NM_001407587.1 and 22 more transcripts); c.3126_3129del, p.Lys1042fs (NM_001407862.1); c.3204_3207del, p.Lys1068fs (NM_001407863.1, NM_001407919.1, NM_001407937.1 and 19 more transcripts); and 41 more; short protein forms K1062fs, K1109fs, K1042fs, K1061fs, K941fs, K982fs, K998fs, K1020fs.
Identifiers: ClinVar variation 2565346 (VCV002565346.8), dbSNP rs2552153510, ClinGen allele CA2499224470.